The following is an entry in ClinVar:

ClinVar aggregate classification (germline): Uncertain significance (1 of 4 stars; one submission).

Submission:

GeneDx
Classification: Uncertain significance. Last evaluated: 2020-11-13. Review status: criteria provided, single submitter. Criteria: GeneDx Variant Classification Process June 2021. Collection method: clinical testing. Allele origin: germline. Affected: yes.
Comment: In silico analysis, which includes protein predictors and evolutionary conservation, supports a deleterious effect; Has not been previously published as pathogenic or benign to our knowledge

NM_001377.3(DYNC2H1):c.12589A>G (p.Ser4197Gly)

Gene: DYNC2H1 (dynein cytoplasmic 2 heavy chain 1; plus strand). Cytogenetic location: 11q22.3.
Variant type: single nucleotide variant.
Coding change: c.12589A>G on transcript NM_001377.3 (MANE Select); coding-DNA position 12589, A replaced by G.
Protein change: p.Ser4197Gly; replaces serine 4197 with glycine.
Molecular consequence: missense variant.
Genome position (GRCh38, 1-based): chr11:103,456,297, A>G. VCF-style: chr11-103456297-A-G. GRCh37 (hg19) VCF-style: chr11-103327025-A-G.
Other names: c.12610A>G, p.Ser4204Gly (NM_001080463.2); short protein forms S4197G, S4204G.
Identifiers: ClinVar variation 1319046 (VCV001319046.2), dbSNP rs1466748798, ClinGen allele CA382289713.